The following is an entry in ClinVar:

NM_000209.4(PDX1):c.493T>C (p.Phe165Leu)

Gene: PDX1 (pancreatic and duodenal homeobox 1; plus strand). Cytogenetic location: 13q12.2.
Variant type: single nucleotide variant.
Coding change: c.493T>C on transcript NM_000209.4 (MANE Select); coding-DNA position 493, T replaced by C.
Protein change: p.Phe165Leu; replaces phenylalanine 165 with leucine.
Molecular consequence: missense variant.
Genome position (GRCh38, 1-based): chr13:27,924,342, T>C. VCF-style: chr13-27924342-T-C. GRCh37 (hg19) VCF-style: chr13-28498479-T-C.
Other names: short protein forms F165L.
Identifiers: ClinVar variation 3647892 (VCV003647892.2).

ClinVar aggregate classification (germline): Uncertain significance (1 of 4 stars; one submission).

Submission:

Labcorp Genetics (formerly Invitae), Labcorp
Classification: Uncertain significance. Last evaluated: 2024-03-27. Review status: criteria provided, single submitter. Criteria: Invitae Variant Classification Sherloc (09022015). Collection method: clinical testing. Allele origin: germline.
Comment: This sequence change replaces phenylalanine, which is neutral and non-polar, with leucine, which is neutral and non-polar, at codon 165 of the PDX1 protein (p.Phe165Leu). This variant is not present in population databases (gnomAD no frequency). This variant has not been reported in the literature in individuals affected with PDX1-related conditions. Advanced modeling of protein sequence and biophysical properties (such as structural, functional, and spatial information, amino acid conservation, physicochemical variation, residue mobility, and thermodynamic stability) performed at Invitae indicates that this missense variant is expected to disrupt PDX1 protein function with a positive predictive value of 80%. In summary, the available evidence is currently insufficient to determine the role of this variant in disease. Therefore, it has been classified as a Variant of Uncertain Significance.